The following is an entry in ClinVar:

NM_203447.4(DOCK8):c.2381T>C (p.Leu794Pro)

Gene: DOCK8 (dedicator of cytokinesis 8; plus strand). Cytogenetic location: 9p24.3.
Variant type: single nucleotide variant.
Coding change: c.2381T>C on transcript NM_203447.4 (MANE Select); coding-DNA position 2381, T replaced by C.
Protein change: p.Leu794Pro; replaces leucine 794 with proline.
Molecular consequence: missense variant.
Genome position (GRCh38, 1-based): chr9:377,152, T>C. VCF-style: chr9-377152-T-C. GRCh37 (hg19) VCF-style: chr9-377152-T-C.
Other names: c.2177T>C, p.Leu726Pro (NM_001190458.2, NM_001193536.2); short protein forms L726P, L794P.
Identifiers: ClinVar variation 1677151 (VCV001677151.4), dbSNP rs769117348, ClinGen allele CA4958177.

ClinVar aggregate classification (germline): Uncertain significance. Review status: criteria provided, multiple submitters, no conflicts (2 of 4 stars). 2 submissions from 2 submitters: Uncertain significance (2). Last evaluated 2022-03-18.

Conditions:
Hyper-IgE recurrent infection syndrome 3, autosomal recessive. Also called: HYPER-IgE SYNDROME 3, AUTOSOMAL RECESSIVE, WITH RECURRENT INFECTIONS; Autosomal recessive hyper-IgE syndrome due to ZNF341 deficiency. Identifiers: Orphanet 641368, MedGen C4748969, MONDO:0032654, OMIM 618282.

Allele frequency attached by ClinVar (database versions not stated): gnomAD exomes 0.00001 and 0.00002; ExAC 0.00002.
gnomAD v4.1: 4 of 1,606,612 alleles (0.00025%); highest among the groups gnomAD compares: Middle Eastern, 0.018%; no homozygotes.

Submissions (2):

Women's Health and Genetics/Laboratory Corporation of America, LabCorp
Classification: Uncertain significance. Last evaluated: 2022-03-18. Review status: criteria provided, single submitter. Criteria: LabCorp Variant Classification Summary - May 2015. Collection method: clinical testing. Allele origin: germline.

Labcorp Genetics (formerly Invitae), Labcorp
Classification: Uncertain significance for Combined immunodeficiency due to DOCK8 deficiency. Last evaluated: 2022-02-23. Review status: criteria provided, single submitter. Criteria: Invitae Variant Classification Sherloc (09022015). Collection method: clinical testing. Allele origin: germline.
Comment: In summary, the available evidence is currently insufficient to determine the role of this variant in disease. Therefore, it has been classified as a Variant of Uncertain Significance. Algorithms developed to predict the effect of missense changes on protein structure and function (SIFT, PolyPhen-2, Align-GVGD) all suggest that this variant is likely to be disruptive. This variant has not been reported in the literature in individuals affected with DOCK8-related conditions. This variant is present in population databases (rs769117348, gnomAD 0.01%). This sequence change replaces leucine, which is neutral and non-polar, with proline, which is neutral and non-polar, at codon 794 of the DOCK8 protein (p.Leu794Pro).